The following is an entry in ClinVar:

ClinVar aggregate classification (germline): Uncertain significance. Review status: criteria provided, multiple submitters, no conflicts (2 of 4 stars). 2 submissions from 2 submitters: Uncertain significance (2). Last evaluated 2024-11-19.

Conditions:
Inborn genetic diseases. Identifiers: MedGen C0950123, MeSH D030342.

Allele frequency attached by ClinVar (database versions not stated): gnomAD 0.00006; TOPMed 0.00006; ESP Exome Variant Server 0.00008; ExAC 0.00012; gnomAD exomes 0.00012 and 0.00015.

Submissions (2):

Ambry Genetics
Classification: Uncertain significance for Inborn genetic diseases. Last evaluated: 2024-11-19. Review status: criteria provided, single submitter. Criteria: Ambry Variant Classification Scheme 2023. Collection method: clinical testing. Allele origin: germline.

Labcorp Genetics (formerly Invitae), Labcorp
Classification: Uncertain significance. Last evaluated: 2022-07-12. Review status: criteria provided, single submitter. Criteria: Invitae Variant Classification Sherloc (09022015). Collection method: clinical testing. Allele origin: germline.
Comment: This sequence change replaces arginine, which is basic and polar, with histidine, which is basic and polar, at codon 236 of the CREB3L1 protein (p.Arg236His). This variant is present in population databases (rs367799632, gnomAD 0.02%). This variant has not been reported in the literature in individuals affected with CREB3L1-related conditions. ClinVar contains an entry for this variant (Variation ID: 1508386). Algorithms developed to predict the effect of missense changes on protein structure and function are either unavailable or do not agree on the potential impact of this missense change (SIFT: "Deleterious"; PolyPhen-2: "Probably Damaging"; Align-GVGD: "Class C0"). In summary, the available evidence is currently insufficient to determine the role of this variant in disease. Therefore, it has been classified as a Variant of Uncertain Significance.

NM_052854.4(CREB3L1):c.707G>A (p.Arg236His)

Gene: CREB3L1 (cAMP responsive element binding protein 3 like 1; plus strand). Cytogenetic location: 11p11.2.
Variant type: single nucleotide variant.
Coding change: c.707G>A on transcript NM_052854.4 (MANE Select); coding-DNA position 707, G replaced by A.
Protein change: p.Arg236His; replaces arginine 236 with histidine.
Molecular consequence: missense variant.
Genome position (GRCh38, 1-based): chr11:46,311,143, G>A. VCF-style: chr11-46311143-G-A. GRCh37 (hg19) VCF-style: chr11-46332694-G-A.
Other names: c.707G>A (NM_052854.2); short protein forms R236H.
Identifiers: ClinVar variation 1508386 (VCV001508386.9), dbSNP rs367799632, ClinGen allele CA5961669.